The following is an entry in ClinVar:

NM_002547.3(OPHN1):c.2159-4C>A

Gene: OPHN1 (oligophrenin 1; minus strand). Cytogenetic location: Xq12.
Variant type: single nucleotide variant.
Coding change: c.2159-4C>A on transcript NM_002547.3 (MANE Select); 4 bases into the intron before coding-DNA position 2159, C replaced by A.
Molecular consequence: intron variant.
Genome position (GRCh38, 1-based): chrX:68,053,814, G>T on the plus strand (C>A on the coding strand, the complement: OPHN1 is on the minus strand). VCF-style: chrX-68053814-G-T. GRCh37 (hg19) VCF-style: chrX-67273656-G-T.
Identifiers: ClinVar variation 3765733 (VCV003765733.1).
Genomic context (GRCh38, chrX:68,053,814, plus strand): 5'-GGATGATGGTTGGCTTTTCTCCTGGAGGCCGCACTTTGCTGAAACTGTCAGCATCCCCTG[G>T]AAGAGAAAATGATACCAGGAACTTGGATGGTTAGCCAAACAGAACACTACTCATGAGCAG-3'

ClinVar aggregate classification (germline): Uncertain significance (1 of 4 stars; one submission).

gnomAD v4.1: 1 of 1,208,105 alleles (0.000083%); highest among the groups gnomAD compares: Non-Finnish European, 0.00011%; no homozygotes.

Submission:

Greenwood Genetic Center Diagnostic Laboratories, Greenwood Genetic Center
Classification: Uncertain significance. Last evaluated: 2024-07-10. Review status: criteria provided, single submitter. Criteria: ACMG Guidelines, 2015. Collection method: clinical testing. Allele origin: germline. Affected: yes.
Comment: PM2, BP4